The following is an entry in ClinVar:

ClinVar aggregate classification (germline): Benign. Review status: criteria provided, multiple submitters, no conflicts (2 of 4 stars). 2 submissions from 2 submitters: Benign (2). Last evaluated 2018-01-12.

Conditions:
Pitt-Hopkins syndrome (PTHS). Also called: ENCEPHALOPATHY, SEVERE EPILEPTIC, WITH AUTONOMIC DYSFUNCTION; MENTAL RETARDATION, SYNDROMAL, WITH INTERMITTENT HYPERVENTILATION. Identifiers: Orphanet 2896, MedGen C1970431, MONDO:0012589, OMIM 610954.

Allele frequency attached by ClinVar (database versions not stated): gnomAD exomes 0.00079; 1000 Genomes Project 0.00100; 1000 Genomes Project 30x 0.00109; TOPMed 0.00111; gnomAD 0.00135 and 0.00139.
gnomAD v4.1: 538 of 570,170 alleles (0.094%); highest among the groups gnomAD compares: Admixed American, 0.6%; no homozygotes.

Submissions (2):

Illumina Laboratory Services, Illumina
Classification: Benign for Pitt-Hopkins syndrome. Last evaluated: 2018-01-12. Review status: criteria provided, single submitter. Criteria: ICSL Variant Classification Criteria 13 December 2019. Collection method: clinical testing. Allele origin: germline.
Comment: This variant was observed in the ICSL laboratory as part of a predisposition screen in an ostensibly healthy population. It had not been previously curated by ICSL or reported in the Human Gene Mutation Database (HGMD: prior to June 1st, 2018), and was therefore a candidate for classification through an automated scoring system. Utilizing variant allele frequency, disease prevalence and penetrance estimates, and inheritance mode, an automated score was calculated to assess if this variant is too frequent to cause the disease. Based on the score and internal cut-off values, a variant classified as benign is not then subjected to further curation. The score for this variant resulted in a classification of benign for this disease.

GeneDx
Classification: Benign. Last evaluated: 2013-06-27. Review status: criteria provided, single submitter. Criteria: GeneDx Variant Classification (06012015). Collection method: clinical testing. Allele origin: germline. Affected: yes.
Comment: This variant is considered likely benign or benign based on one or more of the following criteria: it is a conservative change, it occurs at a poorly conserved position in the protein, it is predicted to be benign by multiple in silico algorithms, and/or has population frequency not consistent with disease.

NM_001083962.2(TCF4):c.*22G>A

Gene: TCF4 (transcription factor 4; minus strand). Cytogenetic location: 18q21.2.
Variant type: single nucleotide variant.
Coding change: c.*22G>A on transcript NM_001083962.2 (MANE Select); 22 bases downstream of the stop codon, G replaced by A.
Molecular consequence: 3 prime UTR variant.
Genome position (GRCh38, 1-based): chr18:55,228,013, C>T on the plus strand (G>A on the coding strand, the complement: TCF4 is on the minus strand). VCF-style: chr18-55228013-C-T. GRCh37 (hg19) VCF-style: chr18-52895244-C-T.
Other names: c.*22G>A (NM_001243226.3, NM_001243227.2, NM_001243228.2 and 42 more transcripts).
Identifiers: ClinVar variation 204601 (VCV000204601.6), dbSNP rs182372608, ClinGen allele CA293895.